The following is an entry in ClinVar:

NM_006060.6(IKZF1):c.889G>T (p.Ala297Ser)

Gene: IKZF1 (IKAROS family zinc finger 1; plus strand). Cytogenetic location: 7p12.2.
Variant type: single nucleotide variant.
Coding change: c.889G>T on transcript NM_006060.6 (MANE Select); coding-DNA position 889, G replaced by T.
Protein change: p.Ala297Ser; replaces alanine 297 with serine.
Molecular consequence: missense variant.
Genome position (GRCh38, 1-based): chr7:50,399,956, G>T. VCF-style: chr7-50399956-G-T. GRCh37 (hg19) VCF-style: chr7-50467654-G-T.
Other names: c.763G>T, p.Ala255Ser (NM_001220765.3, NM_001291837.2); c.598G>T, p.Ala200Ser (NM_001220767.2); c.628G>T, p.Ala210Ser (NM_001220768.2, NM_001291838.2); c.472G>T, p.Ala158Ser (NM_001220770.2); c.460G>T, p.Ala154Ser (NM_001220771.2, NM_001291841.1); c.502G>T, p.Ala168Ser (NM_001291839.2); c.199G>T, p.Ala67Ser (NM_001291840.1); c.430G>T, p.Ala144Ser (NM_001291842.1); and 2 more; short protein forms A102S, A112S, A144S, A154S, A158S, A168S, A200S, A210S.
Identifiers: ClinVar variation 1337673 (VCV001337673.4), dbSNP rs2153517575, ClinGen allele CA367523964.

ClinVar aggregate classification (germline): Uncertain significance (1 of 4 stars; one submission).

gnomAD v4.1: 10 of 1,613,294 alleles (0.00062%); highest among the groups gnomAD compares: South Asian, 0.011%; no homozygotes.

Submission:

Genetic Services Laboratory, University of Chicago
Classification: Uncertain significance. Last evaluated: 2020-06-10. Review status: criteria provided, single submitter. Criteria: ACMG Guidelines, 2015. Collection method: clinical testing. Allele origin: germline. Affected: no.
Comment: DNA sequence analysis of the IKZF1 gene demonstrated a sequence change, c.889G>T, in exon 8 that results in an amino acid change, p.Ala297Ser. This sequence change does not appear to have been previously described in patients with IKZF1-related disorders and has also not been described in population databases (gnomAD, ExAC). The p.Ala297Ser change affects a highly conserved amino acid residue located in a domain of the IKZF1 protein that is known to be functional. The p.Ala297Ser substitution appears to be benign using several in-silico pathogenicity prediction tools (SIFT, PolyPhen2, Align GVGD, REVEL). Due to these contrasting evidences and the lack of functional studies, the clinical significance of the p.Ala297Ser change remains unknown at this time.